The following is an entry in ClinVar:

NM_004562.3(PRKN):c.136G>T (p.Ala46Ser)

Gene: PRKN (parkin RBR E3 ubiquitin protein ligase; minus strand). Cytogenetic location: 6q26.
Variant type: single nucleotide variant.
Coding change: c.136G>T on transcript NM_004562.3 (MANE Select); coding-DNA position 136, G replaced by T.
Protein change: p.Ala46Ser; replaces alanine 46 with serine.
Molecular consequence: missense variant.
Genome position (GRCh38, 1-based): chr6:162,443,345, C>A on the plus strand (G>T on the coding strand, the complement: PRKN is on the minus strand). VCF-style: chr6-162443345-C-A. GRCh37 (hg19) VCF-style: chr6-162864377-C-A.
Other names: c.136G>T, p.Ala46Ser (NM_013987.3, NM_013988.3); short protein forms A46S.
Identifiers: ClinVar variation 958287 (VCV000958287.9), dbSNP rs75860381, ClinGen allele CA366477246.

ClinVar aggregate classification (germline): Uncertain significance (1 of 4 stars; one submission).

gnomAD v4.1: 3 of 1,612,994 alleles (0.00019%); highest among the groups gnomAD compares: African/African-American, 0.0013%; no homozygotes.

Submission:

Labcorp Genetics (formerly Invitae), Labcorp
Classification: Uncertain significance. Last evaluated: 2024-10-18. Review status: criteria provided, single submitter. Criteria: Invitae Variant Classification Sherloc (09022015). Collection method: clinical testing. Allele origin: germline.
Comment: This sequence change replaces alanine, which is neutral and non-polar, with serine, which is neutral and polar, at codon 46 of the PRKN protein (p.Ala46Ser). This variant is not present in population databases (gnomAD no frequency). This missense change has been observed in individual(s) with probable dementia with Lewy bodies (PMID: 22118943). ClinVar contains an entry for this variant (Variation ID: 958287). Invitae Evidence Modeling of protein sequence and biophysical properties (such as structural, functional, and spatial information, amino acid conservation, physicochemical variation, residue mobility, and thermodynamic stability) has been performed for this missense variant. However, the output from this modeling did not meet the statistical confidence thresholds required to predict the impact of this variant on PRKN protein function. In summary, the available evidence is currently insufficient to determine the role of this variant in disease. Therefore, it has been classified as a Variant of Uncertain Significance.

Literature cited by the submitters: PubMed 22118943.